The following is an entry in ClinVar:

ClinVar aggregate classification (germline): Uncertain significance (1 of 4 stars; one submission).

Conditions:
Inborn genetic diseases. Identifiers: MedGen C0950123, MeSH D030342.

gnomAD v4.1: 1 of 1,614,112 alleles (0.000062%); highest among the groups gnomAD compares: Non-Finnish European, 0.000085%; no homozygotes.

Submission:

Ambry Genetics
Classification: Uncertain significance for Inborn genetic diseases. Last evaluated: 2024-12-15. Review status: criteria provided, single submitter. Criteria: Ambry Variant Classification Scheme 2023. Collection method: clinical testing. Allele origin: germline.
Comment: The p.P185S variant (also known as c.553C>T), located in coding exon 5 of the BUB1B gene, results from a C to T substitution at nucleotide position 553. The proline at codon 185 is replaced by serine, an amino acid with similar properties. This amino acid position is conserved. In addition, this alteration is predicted to be deleterious by in silico analysis. Based on the available evidence, the clinical significance of this variant remains unclear.

NM_001211.6(BUB1B):c.553C>T (p.Pro185Ser)

Gene: BUB1B (BUB1 mitotic checkpoint serine/threonine kinase B; plus strand). Cytogenetic location: 15q15.1.
Variant type: single nucleotide variant.
Coding change: c.553C>T on transcript NM_001211.6 (MANE Select); coding-DNA position 553, C replaced by T.
Protein change: p.Pro185Ser; replaces proline 185 with serine.
Molecular consequence: missense variant.
Genome position (GRCh38, 1-based): chr15:40,176,645, C>T. VCF-style: chr15-40176645-C-T. GRCh37 (hg19) VCF-style: chr15-40468846-C-T.
Other names: short protein forms P185S.
Identifiers: ClinVar variation 3826076 (VCV003826076.1).